The following is an entry in ClinVar:

NM_006767.4(LZTR1):c.1816T>C (p.Ser606Pro)

Gene: LZTR1 (leucine zipper like post translational regulator 1; plus strand). Cytogenetic location: 22q11.21.
Variant type: single nucleotide variant.
Coding change: c.1816T>C on transcript NM_006767.4 (MANE Select); coding-DNA position 1816, T replaced by C.
Protein change: p.Ser606Pro; replaces serine 606 with proline.
Molecular consequence: missense variant.
Genome position (GRCh38, 1-based): chr22:20,994,900, T>C. VCF-style: chr22-20994900-T-C. GRCh37 (hg19) VCF-style: chr22-21349189-T-C.
Other names: c.1816T>C (NM_006767.3); short protein forms S606P.
Identifiers: ClinVar variation 2966395 (VCV002966395.7), dbSNP rs2518622358, ClinGen allele CA410778513.
Genomic context (GRCh38, chr22:20,994,900, plus strand): 5'-TGCCTGCCTGCCTGTGCCTGTCTGCCCCAGGAGCACTGCCTGAACTTCGTGGTAAAGGAG[T>C]CCCACTTCAACCAGGTGATCATGATGAAGGAGTTCGAGCGCCTCTCCTCTCCACTGATAG-3'
Protein context (NP_006758.2, residues 596-616): EHCLNFVVKE[Ser606Pro]HFNQVIMMKE

ClinVar aggregate classification (germline): Uncertain significance. Review status: criteria provided, multiple submitters, no conflicts (2 of 4 stars). 4 submissions from 4 submitters: Uncertain significance (4). Last evaluated 2026-04-14.

Conditions:
LZTR1-related schwannomatosis. Also called: Schwannomatosis 2; Schwannomatosis-2, susceptibility to. Identifiers: Orphanet 93921, MedGen C3810283, MONDO:0014299, OMIM 615670.
Cardiovascular phenotype. Identifiers: MedGen CN230736.
Hereditary cancer-predisposing syndrome. Also called: Hereditary neoplastic syndrome; Neoplastic Syndromes, Hereditary; Tumor predisposition; Hereditary Cancer Syndrome. Identifiers: Orphanet 140162, MedGen C0027672, MeSH D009386, MONDO:0015356.

Submissions (4):

GeneDx
Classification: Uncertain significance. Last evaluated: 2026-04-14. Review status: criteria provided, single submitter. Criteria: GeneDx Variant Classification Process June 2021. Collection method: clinical testing. Allele origin: germline.
Comment: Not observed at significant frequency in large population cohorts (gnomAD); In silico analysis supports that this missense variant has a deleterious effect on protein structure/function; Has not been previously published as pathogenic or benign to our knowledge

Baylor Genetics
Classification: Uncertain significance for LZTR1-related schwannomatosis. Last evaluated: 2024-03-29. Review status: criteria provided, single submitter. Criteria: ACMG Guidelines, 2015. Collection method: clinical testing. Allele origin: unknown.

Labcorp Genetics (formerly Invitae), Labcorp
Classification: Uncertain significance. Last evaluated: 2024-01-19. Review status: criteria provided, single submitter. Criteria: Invitae Variant Classification Sherloc (09022015). Collection method: clinical testing. Allele origin: germline.
Comment: This sequence change replaces serine, which is neutral and polar, with proline, which is neutral and non-polar, at codon 606 of the LZTR1 protein (p.Ser606Pro). This variant is not present in population databases (gnomAD no frequency). This variant has not been reported in the literature in individuals affected with LZTR1-related conditions. Advanced modeling of protein sequence and biophysical properties (such as structural, functional, and spatial information, amino acid conservation, physicochemical variation, residue mobility, and thermodynamic stability) performed at Invitae indicates that this missense variant is not expected to disrupt LZTR1 protein function with a negative predictive value of 80%. In summary, the available evidence is currently insufficient to determine the role of this variant in disease. Therefore, it has been classified as a Variant of Uncertain Significance.

Ambry Genetics
Classification: Uncertain significance for Cardiovascular phenotype; Hereditary cancer-predisposing syndrome. Last evaluated: 2023-10-10. Review status: criteria provided, single submitter. Criteria: Ambry Variant Classification Scheme 2023. Collection method: clinical testing. Allele origin: germline.
Comment: The p.S606P variant (also known as c.1816T>C), located in coding exon 16 of the LZTR1 gene, results from a T to C substitution at nucleotide position 1816. The serine at codon 606 is replaced by proline, an amino acid with similar properties. This amino acid position is conserved. In addition, the in silico prediction for this alteration is inconclusive. Since supporting evidence is limited at this time, the clinical significance of this alteration remains unclear.